The following is an entry in ClinVar:

ClinVar aggregate classification (germline): Uncertain significance (1 of 4 stars; one submission).

Conditions:
Monogenic diabetes. Identifiers: Orphanet 183625, MedGen C3888631, MONDO:0015967.

Allele frequency attached by ClinVar (database versions not stated): gnomAD 0.00001 and 0.00002; ExAC 0.00002; gnomAD exomes 0.00002; TOPMed 0.00003; 1000 Genomes Project 30x 0.00016; 1000 Genomes Project 0.00020.
gnomAD v4.1: 7 of 1,613,196 alleles (0.00043%); highest among the groups gnomAD compares: Admixed American, 0.005%; no homozygotes.

Submission:

Personalized Diabetes Medicine Program, University of Maryland School of Medicine
Classification: Uncertain significance for Monogenic diabetes. Last evaluated: 2019-02-08. Review status: criteria provided, single submitter. Criteria: ACMG Guidelines, 2015. Collection method: research. Allele origin: unknown. Observed: 1 variant allele, 1 heterozygote.
Comment: ACMG criteria: VUS (REVEL 0.162 + PP3/4 predictors + BP4/7 predictors = conflicting evidence, not using)

NM_000340.2(SLC2A2):c.10G>C (p.Asp4His)

Gene: SLC2A2 (solute carrier family 2 member 2; minus strand). Cytogenetic location: 3q26.2.
Variant type: single nucleotide variant.
Coding change: c.10G>C on transcript NM_000340.2 (MANE Select); coding-DNA position 10, G replaced by C.
Protein change: p.Asp4His; replaces aspartic acid 4 with histidine.
Molecular consequence: missense variant. On other transcripts: 5 prime UTR variant (2).
Genome position (GRCh38, 1-based): chr3:171,026,661, C>G on the plus strand (G>C on the coding strand, the complement: SLC2A2 is on the minus strand). VCF-style: chr3-171026661-C-G. GRCh37 (hg19) VCF-style: chr3-170744450-C-G.
Other names: c.-85G>C (NM_001278658.2); c.-385G>C (NM_001278659.2); short protein forms D4H.
Identifiers: ClinVar variation 917420 (VCV000917420.2), dbSNP rs200073044, ClinGen allele CA2702795.
Genomic context (GRCh38, chr3:171,026,661, plus strand): 5'-TTCCCCTAACTATCTCCTGAAAACCAGACTTGAAATGAATATAATGCTGCTTTACCTTAT[C>G]TTCTGTCATTGTACTAGTTGGGAGTCCTGTCAATTCCAGGTCTTGTGTGAGTGTGGCACA-3'
Protein context (NP_000331.1, residues 1-14): MTE[Asp4His]KVTGTLVFTV